The following is an entry in ClinVar:

ClinVar aggregate classification (germline): Likely benign (1 of 4 stars; one submission).

Conditions:
Dilated cardiomyopathy 3B (CMD3B). Also called: CMD3B: DMD-Related Dilated Cardiomyopathy; CARDIOMYOPATHY, DILATED, X-LINKED; DMD-Associated Dilated Cardiomyopathy. Identifiers: Orphanet 154, MedGen C3668940, MONDO:0010542, OMIM 302045.

Allele frequency attached by ClinVar (database versions not stated): gnomAD 0.00023 and 0.00025; 1000 Genomes Project 0.00053; TOPMed 0.00069; 1000 Genomes Project 30x 0.00104.
gnomAD v4.1: 27 of 111,789 alleles (0.024%); highest among the groups gnomAD compares: Admixed American, 0.24%; no homozygotes.

Submission:

Illumina Laboratory Services, Illumina
Classification: Likely benign for Dilated cardiomyopathy 3B. Last evaluated: 2018-01-13. Review status: criteria provided, single submitter. Criteria: ICSL Variant Classification Criteria 13 December 2019. Collection method: clinical testing. Allele origin: germline.
Comment: This variant was observed in the ICSL laboratory as part of a predisposition screen in an ostensibly healthy population. It had not been previously curated by ICSL or reported in the Human Gene Mutation Database (HGMD: prior to June 1st, 2018), and was therefore a candidate for classification through an automated scoring system. Utilizing variant allele frequency, disease prevalence and penetrance estimates, and inheritance mode, an automated score was calculated to assess if this variant is too frequent to cause the disease. Based on the score and internal cut-off values, a variant classified as likely benign is not then subjected to further curation. The score for this variant resulted in a classification of likely benign for this disease.

NM_004006.3(DMD):c.*1455C>A

Gene: DMD (dystrophin; minus strand). Cytogenetic location: Xp21.2.
Variant type: single nucleotide variant.
Coding change: c.*1455C>A on transcript NM_004006.3 (MANE Select); 1455 bases downstream of the stop codon, C replaced by A.
Molecular consequence: 3 prime UTR variant.
Genome position (GRCh38, 1-based): chrX:31,120,464, G>T on the plus strand (C>A on the coding strand, the complement: DMD is on the minus strand). VCF-style: chrX-31120464-G-T. GRCh37 (hg19) VCF-style: chrX-31138581-G-T.
Other names: c.*1455C>A (NM_000109.4, NM_004009.3, NM_004010.3 and 7 more transcripts); c.*1369C>A (NM_004016.3, NM_004018.3, NM_004021.3 and 2 more transcripts).
Identifiers: ClinVar variation 368211 (VCV000368211.5), dbSNP rs191747923, ClinGen allele CA10654298.